The following is an entry in ClinVar:

NM_002609.4(PDGFRB):c.2798+1G>A

Gene: PDGFRB (platelet derived growth factor receptor beta; minus strand). Cytogenetic location: 5q32.
Variant type: single nucleotide variant.
Coding change: c.2798+1G>A on transcript NM_002609.4 (MANE Select); the canonical splice donor site of the intron after coding-DNA position 2798, G replaced by A.
Molecular consequence: splice donor variant.
Genome position (GRCh38, 1-based): chr5:150,119,466, C>T on the plus strand (G>A on the coding strand, the complement: PDGFRB is on the minus strand). VCF-style: chr5-150119466-C-T. GRCh37 (hg19) VCF-style: chr5-149499029-C-T.
Other names: c.2606+1G>A (NM_001355016.2); c.2315+1G>A (NM_001355017.2).
Identifiers: ClinVar variation 3751707 (VCV003751707.2).

ClinVar aggregate classification (germline): Uncertain significance (1 of 4 stars; one submission).

Conditions:
Skeletal overgrowth-craniofacial dysmorphism-hyperelastic skin-white matter lesions syndrome. Also called: SKELETAL OVERGROWTH WITH FACIAL DYSMORPHISM, HYPERELASTIC SKIN, WHITE MATTER LESIONS, AND NEUROLOGIC DETERIORATION; Kosaki overgrowth syndrome. Identifiers: Orphanet 477831, MedGen C4225270, MONDO:0014704, OMIM 616592.
Infantile myofibromatosis (IMF). Also called: Congenital generalized fibromatosis. Identifiers: Orphanet 2591, MedGen C0432284, MONDO:0016824.
Basal ganglia calcification, idiopathic, 4 (PFBC4). Also called: Familial Idiopathic Basal Ganglia Calcification 4; PRIMARY FAMILIAL BRAIN CALCIFICATION 4, AUTOSOMAL DOMINANT. Identifiers: Orphanet 1980, MedGen C3554321, MONDO:0014004, OMIM 615007.
Acroosteolysis-keloid-like lesions-premature aging syndrome. Also called: Premature aging syndrome, Penttinen type; Prematurely aged appearance, delayed bone maturation, acro-osteolysis, and brachydactyly; Progeroid syndrome, Penttinen type. Identifiers: Orphanet 363665, MedGen C1866182, MONDO:0011150, OMIM 601812.

Submission:

Labcorp Genetics (formerly Invitae), Labcorp
Classification: Uncertain significance for Basal ganglia calcification, idiopathic, 4; Skeletal overgrowth-craniofacial dysmorphism-hyperelastic skin-white matter lesions syndrome; Infantile myofibromatosis; Acroosteolysis-keloid-like lesions-premature aging syndrome. Last evaluated: 2024-05-02. Review status: criteria provided, single submitter. Criteria: Invitae Variant Classification Sherloc (09022015). Collection method: clinical testing. Allele origin: germline.
Comment: This sequence change affects a donor splice site in intron 20 of the PDGFRB gene. It is expected to disrupt RNA splicing. Variants that disrupt the donor or acceptor splice site typically lead to a loss of protein function (PMID: 16199547), however the current clinical and genetic evidence is not sufficient to establish whether loss-of-function variants in PDGFRB cause disease. This variant is not present in population databases (gnomAD no frequency). This variant has not been reported in the literature in individuals affected with PDGFRB-related conditions. Algorithms developed to predict the effect of sequence changes on RNA splicing suggest that this variant may disrupt the consensus splice site. In summary, the available evidence is currently insufficient to determine the role of this variant in disease. Therefore, it has been classified as a Variant of Uncertain Significance.

Literature cited by the submitters: PubMed 16199547.